The following is an entry in ClinVar:

NM_002103.5(GYS1):c.693G>A (p.Lys231=)

Gene: GYS1 (glycogen synthase 1; minus strand). Cytogenetic location: 19q13.33.
Variant type: single nucleotide variant.
Coding change: c.693G>A on transcript NM_002103.5 (MANE Select); coding-DNA position 693, G replaced by A.
Protein change: p.Lys231=; no amino-acid change (lysine 231 retained).
Molecular consequence: synonymous variant. On other transcripts: non-coding transcript variant (1).
Genome position (GRCh38, 1-based): chr19:48,985,591, C>T on the plus strand (G>A on the coding strand, the complement: GYS1 is on the minus strand). VCF-style: chr19-48985591-C-T. GRCh37 (hg19) VCF-style: chr19-49488848-C-T.
Other names: p.Lys231=; c.501G>A, p.Lys167= (NM_001161587.2).
Identifiers: ClinVar variation 329822 (VCV000329822.18), dbSNP rs5460, ClinGen allele CA9563241.

ClinVar aggregate classification (germline): Benign. Review status: criteria provided, multiple submitters, no conflicts (2 of 4 stars). 6 submissions from 6 submitters: Benign (6). Last evaluated 2026-02-02.

Conditions:
Glycogen storage disease due to muscle and heart glycogen synthase deficiency. Also called: GSD 0b; MUSCLE GLYCOGEN SYNTHASE DEFICIENCY. Identifiers: Orphanet 137625, MedGen C1969054, MONDO:0012693, OMIM 611556.

Allele frequency attached by ClinVar (database versions not stated): gnomAD exomes 0.00125 and 0.00340; ExAC 0.00436; gnomAD 0.01328 and 0.01434; TOPMed 0.01548; 1000 Genomes Project 0.01597; 1000 Genomes Project 30x 0.01640; ESP Exome Variant Server 0.01784.
gnomAD v4.1: 3,951 of 1,614,106 alleles (0.24%); highest among the groups gnomAD compares: African/African-American, 4.7%; 109 homozygotes.

Submissions (6):

Labcorp Genetics (formerly Invitae), Labcorp
Classification: Benign for Glycogen storage disease due to muscle and heart glycogen synthase deficiency. Last evaluated: 2026-02-02. Review status: criteria provided, single submitter. Criteria: Invitae Variant Classification Sherloc (09022015). Collection method: clinical testing. Allele origin: germline.

Mayo Clinic Laboratories, Mayo Clinic
Classification: Benign. Last evaluated: 2023-08-23. Review status: criteria provided, single submitter. Criteria: ACMG Guidelines, 2015. Collection method: clinical testing. Allele origin: germline. Observed: 17 variant alleles.

ARUP Laboratories, Molecular Genetics and Genomics, ARUP Laboratories
Classification: Benign for Glycogen storage disease due to muscle and heart glycogen synthase deficiency. Last evaluated: 2022-07-08. Review status: criteria provided, single submitter. Criteria: ARUP Molecular Germline Variant Investigation Process 2021. Collection method: clinical testing. Allele origin: germline.

Illumina Laboratory Services, Illumina
Classification: Benign for Glycogen storage disease due to muscle and heart glycogen synthase deficiency. Last evaluated: 2018-01-13. Review status: criteria provided, single submitter. Criteria: ICSL Variant Classification Criteria 13 December 2019. Collection method: clinical testing. Allele origin: germline.
Comment: This variant was observed in the ICSL laboratory as part of a predisposition screen in an ostensibly healthy population. It had not been previously curated by ICSL or reported in the Human Gene Mutation Database (HGMD: prior to June 1st, 2018), and was therefore a candidate for classification through an automated scoring system. Utilizing variant allele frequency, disease prevalence and penetrance estimates, and inheritance mode, an automated score was calculated to assess if this variant is too frequent to cause the disease. Based on the score and internal cut-off values, a variant classified as benign is not then subjected to further curation. The score for this variant resulted in a classification of benign for this disease.

GeneDx
Classification: Benign. Last evaluated: 2016-04-21. Review status: criteria provided, single submitter. Criteria: GeneDx Variant Classification (06012015). Collection method: clinical testing. Allele origin: germline. Affected: yes.
Comment: This variant is considered likely benign or benign based on one or more of the following criteria: it is a conservative change, it occurs at a poorly conserved position in the protein, it is predicted to be benign by multiple in silico algorithms, and/or has population frequency not consistent with disease.

Breakthrough Genomics
Classification: Benign. Review status: criteria provided, single submitter. Criteria: ACMG Guidelines, 2015. Collection method: not provided. Allele origin: germline. Inheritance: Autosomal recessive inheritance. Affected: yes.